The following is an entry in ClinVar:

NM_000789.4(ACE):c.2518C>A (p.Arg840=)

Gene: ACE (angiotensin I converting enzyme; plus strand). Cytogenetic location: 17q23.3.
Variant type: single nucleotide variant.
Coding change: c.2518C>A on transcript NM_000789.4 (MANE Select); coding-DNA position 2518, C replaced by A.
Protein change: p.Arg840=; no amino-acid change (arginine 840 retained).
Molecular consequence: synonymous variant.
Genome position (GRCh38, 1-based): chr17:63,489,009, C>A. VCF-style: chr17-63489009-C-A. GRCh37 (hg19) VCF-style: chr17-61566370-C-A.
Other names: c.796C>A, p.Arg266= (NM_001178057.2, NM_152830.3).
Identifiers: ClinVar variation 890610 (VCV000890610.11), dbSNP rs3730036, ClinGen allele CA8700140.
Genomic context (GRCh38, chr17:63,489,009, plus strand): 5'-GATGCAGGGGACTCGTGGAGGTCTATGTACGAGACACCATCCCTGGAGCAAGACCTGGAG[C>A]GGCTCTTCCAGGAGCTGCAGCCACTCTACCTCAACCTGCATGCCTACGTGCGCCGGGCCC-3'
Protein context (NP_000780.1, residues 830-850): ETPSLEQDLE[Arg840=]LFQELQPLYL

ClinVar aggregate classification (germline): Benign/Likely benign. Review status: criteria provided, multiple submitters, no conflicts (2 of 4 stars). 4 submissions from 4 submitters: Benign (2); Likely benign (2). Last evaluated 2026-01-31.

Conditions:
Renal tubular dysgenesis of genetic origin. Also called: PRIMITIVE RENAL TUBULE SYNDROME. Identifiers: Orphanet 97369, MedGen C5681536, MONDO:0009970, OMIM 267430.
Microvascular complications of diabetes, susceptibility to, 3. Identifiers: MedGen C2675470, MONDO:0012963, OMIM 612624.
Hemorrhage, intracerebral, susceptibility to (ICH). Also called: Stroke, hemorrhagic, susceptibility to. Identifiers: MedGen C3281105, MONDO:0100533, OMIM 614519.
Renal tubular dysgenesis. Also called: Renotubular dysgenesis. Identifiers: Orphanet 3033, MedGen C0266313, MONDO:0017609, HP:0008660.

Allele frequency attached by ClinVar (database versions not stated): TOPMed 0.00281; ESP Exome Variant Server 0.00308; 1000 Genomes Project 0.00439; 1000 Genomes Project 30x 0.00453.
gnomAD v4.1: 813 of 1,614,156 alleles (0.05%); highest among the groups gnomAD compares: African/African-American, 0.98%; 3 homozygotes.

Submissions (4):

Labcorp Genetics (formerly Invitae), Labcorp
Classification: Benign. Last evaluated: 2026-01-31. Review status: criteria provided, single submitter. Criteria: Invitae Variant Classification Sherloc (09022015). Collection method: clinical testing. Allele origin: germline.

Blueprint Genetics
Classification: Likely benign. Last evaluated: 2024-10-24. Review status: criteria provided, single submitter. Criteria: ACMG Guidelines, 2015. Collection method: clinical testing. Allele origin: germline.

Fulgent Genetics
Classification: Likely benign for Renal tubular dysgenesis of genetic origin; Microvascular complications of diabetes, susceptibility to, 3; Hemorrhage, intracerebral, susceptibility to. Last evaluated: 2021-08-19. Review status: criteria provided, single submitter. Criteria: ACMG Guidelines, 2015. Collection method: clinical testing. Allele origin: unknown.

Illumina Laboratory Services, Illumina
Classification: Benign for Renal tubular dysgenesis of genetic origin. Last evaluated: 2018-01-02. Review status: criteria provided, single submitter. Criteria: ICSL Variant Classification Criteria 13 December 2019. Collection method: clinical testing. Allele origin: germline.
Comment: This variant was observed as part of a predisposition screen in an ostensibly healthy population. A literature search was performed for the gene, cDNA change, and amino acid change (where applicable). No publications were found based on this search. Allele frequency data from public databases was too high to be consistent with this variant causing disease. Therefore, this variant is classified as benign.